The following is an entry in ClinVar:

ClinVar aggregate classification (germline): Pathogenic. Review status: criteria provided, multiple submitters, no conflicts (2 of 4 stars). 3 submissions from 3 submitters: Pathogenic (2). 1 of the submissions does not count toward it. Last evaluated 2024-02-07.

Conditions:
Amelogenesis imperfecta type 1A. Also called: Amelogenesis imperfecta local hypoplastic; Amelogenesis imperfecta, hypoplastic type; Amelogenesis imperfecta, type IA; AMELOGENESIS IMPERFECTA, HYPOPLASTIC TYPE IA. Identifiers: Orphanet 88661, MedGen C4011403, MONDO:0007094, OMIM 104530.
Junctional epidermolysis bullosa gravis of Herlitz. Also called: EPIDERMOLYSIS BULLOSA JUNCTIONALIS, HERLITZ TYPE; EPIDERMOLYSIS BULLOSA, JUNCTIONAL, HERLITZ-PEARSON TYPE; JEB-HERLITZ TYPE; Epidermolysis Bullosa Letalis; Herlitz-type junctional epidermolysis bullosa; EPIDERMOLYSIS BULLOSA, JUNCTIONAL 1B, SEVERE. Identifiers: Orphanet 79404, MedGen C0079683, MONDO:0009182, OMIM 226700.
Junctional epidermolysis bullosa, non-Herlitz type. Also called: EPIDERMOLYSIS BULLOSA JUNCTIONALIS, DISENTIS TYPE; EPIDERMOLYSIS BULLOSA JUNCTIONALIS, NON-HERLITZ TYPE; EPIDERMOLYSIS BULLOSA JUNCTIONALIS, PROGRESSIVE; EPIDERMOLYSIS BULLOSA JUNCTIONALIS, SEVERE NONLETHAL; Adult junctional epidermolysis bullosa; Epidermolysis bullosa, junctional, non-herlitz type, somatic mosaic revertant. Identifiers: Orphanet 251393, Orphanet 79402, Orphanet 79405, Orphanet 89840, MedGen C0268374, MONDO:0009180, OMIM 226650.

Submissions (3):

Fulgent Genetics
Classification: Pathogenic for Amelogenesis imperfecta type 1A; Junctional epidermolysis bullosa, non-Herlitz type; Junctional epidermolysis bullosa gravis of Herlitz. Last evaluated: 2024-02-07. Review status: criteria provided, single submitter. Criteria: ACMG Guidelines, 2015. Collection method: clinical testing. Allele origin: germline.

Labcorp Genetics (formerly Invitae), Labcorp
Classification: Pathogenic. Last evaluated: 2021-04-02. Review status: criteria provided, single submitter. Criteria: Invitae Variant Classification Sherloc (09022015). Collection method: clinical testing. Allele origin: germline.
Comment: For these reasons, this variant has been classified as Pathogenic. This variant has been observed in individual(s) with autosomal recessive junctional epidermolysis bullosa (PMID: 29334134). ClinVar contains an entry for this variant (Variation ID: 295145). This variant is not present in population databases (ExAC no frequency). This sequence change creates a premature translational stop signal (p.His75Glnfs*25) in the LAMB3 gene. It is expected to result in an absent or disrupted protein product. Loss-of-function variants in LAMB3 are known to be pathogenic (PMID: 11023379, 16473856).

Counsyl
Classification: Likely pathogenic for Junctional epidermolysis bullosa gravis of Herlitz. Last evaluated: 2017-08-02. Review status: no assertion criteria provided. Collection method: clinical testing. Allele origin: unknown. Not counted in ClinVar's aggregate classification.

Literature cited by the submitters: PubMed 29334134 (cited by Labcorp Genetics (formerly Invitae), Labcorp); PubMed 11023379 (cited by Labcorp Genetics (formerly Invitae), Labcorp); PubMed 16473856 (cited by Labcorp Genetics (formerly Invitae), Labcorp).

NM_000228.3(LAMB3):c.225_226del (p.His75fs)

Gene: LAMB3 (laminin subunit beta 3; minus strand). Cytogenetic location: 1q32.2.
Variant type: Microsatellite.
Coding change: c.225_226del on transcript NM_000228.3 (MANE Select); coding-DNA positions 225 to 226, 2 bases deleted (CA; older notation c.225_226delCA).
Protein change: p.His75fs; shifts the reading frame from histidine 75.
Molecular consequence: frameshift variant.
Genome position (GRCh38, 1-based): chr1:209,638,606-209,638,607, TG deleted on the plus strand (CA on the coding strand, the reverse complement: LAMB3 is on the minus strand); deleting any 2 consecutive bases within chr1:209,638,606-209,638,609 gives the same sequence; the c. name uses the placement nearest the transcript's 3' end. VCF-style (leftmost placement, unchanged base first): chr1-209638605-TTG-T. GRCh37 (hg19) VCF-style: chr1-209811950-TTG-T.
Other names: c.225_226del (NM_000228.2); c.225_226del, p.His75fs (NM_001017402.2, NM_001127641.1); short protein forms H75fs.
Identifiers: ClinVar variation 295145 (VCV000295145.17), dbSNP rs886045870, ClinGen allele CA10608886.